The following is an entry in ClinVar:

ClinVar aggregate classification (germline): Pathogenic. Review status: criteria provided, single submitter (1 of 4 stars). 2 submissions from 2 submitters: Pathogenic (1). 1 of the submissions does not count toward it.

Conditions:
Autoimmune enteropathy and endocrinopathy - susceptibility to chronic infections syndrome. Also called: Immunodeficiency 31C, autosomal dominant; Immunodeficiency 31C. Identifiers: Orphanet 391487, MedGen C3279990, MONDO:0013599, OMIM 614162.

Submissions (2):

Neuberg Centre For Genomic Medicine, NCGM
Classification: Pathogenic for Autoimmune enteropathy and endocrinopathy - susceptibility to chronic infections syndrome. Review status: criteria provided, single submitter. Criteria: ACMG Guidelines, 2015. Collection method: clinical testing. Allele origin: germline. Inheritance: Autosomal dominant inheritance. Affected: yes.
Comment: The STAT1 c.854A>G(p.Gln285Arg) variant has been reported in individuals affected with chronic mucocutaneous candidiasis (Soltesz et al., 2013). Experimental studies have shown that c.854 A>G (p.Gln285Arg) variant affecting the coiled-coil domain (CCD) of STAT1 is GOF. Upon stimulation with IFN-γ, cells transfected with the Q285R allele responded two to three times more strongly than those transfected with the WT or Y701C alleles (Soltesz et al., 2013). The amino acid Gln at position 285 is changed to a Arg changing protein sequence and it might alter its composition and physico-chemical properties. This variant has been reported to the ClinVar database as Pathogenic with a status of no assertion criteria provided. The variant is predicted to be damaging by PolyPhen2 and the residue is conserved across species. The amino acid change p.Gln285Arg in STAT1 is predicted as conserved by GERP++ and PhyloP across 100 vertebrates. The p.Gln285Arg variant is novel (not in any individuals) in gnomAD Exomes and 1000 Genomes. For these reasons, this variant has been classified as Pathogenic.

OMIM
Classification: Pathogenic for IMMUNODEFICIENCY 31C. Last evaluated: 2013-09-01. Review status: no assertion criteria provided. Collection method: literature only. Allele origin: germline. Not counted in ClinVar's aggregate classification.

Literature cited by the submitters: PubMed 23709754 (cited by OMIM).

NM_007315.4(STAT1):c.854A>G (p.Gln285Arg)

Gene: STAT1 (signal transducer and activator of transcription 1; minus strand). Cytogenetic location: 2q32.2.
Variant type: single nucleotide variant.
Coding change: c.854A>G on transcript NM_007315.4 (MANE Select); coding-DNA position 854, A replaced by G.
Protein change: p.Gln285Arg; replaces glutamine 285 with arginine.
Molecular consequence: missense variant. On other transcripts: intron variant (1).
Genome position (GRCh38, 1-based): chr2:190,995,151, T>C on the plus strand (A>G on the coding strand, the complement: STAT1 is on the minus strand). VCF-style: chr2-190995151-T-C. GRCh37 (hg19) VCF-style: chr2-191859877-T-C.
Other names: c.854A>G, p.Gln285Arg (NM_001384880.1, NM_001384882.1, NM_001384886.1 and 4 more transcripts); c.860A>G, p.Gln287Arg (NM_001384881.1, NM_001384884.1); c.755A>G, p.Gln252Arg (NM_001384883.1); c.764A>G, p.Gln255Arg (NM_001384890.1); c.890A>G, p.Gln297Arg (NM_001384891.1); c.785+2705A>G (NM_001384885.1); short protein forms Q285R, Q252R, Q255R, Q287R, Q297R.
Identifiers: ClinVar variation 144005 (VCV000144005.1), dbSNP rs587777629, ClinGen allele CA170569.
Genomic context (GRCh38, chr2:190,995,151, plus strand): 5'-GTGCGGTCCCATAACACTTGTTTGTTTTTTGTGATAGGGTCATGTTCGTAGGTGTATTTC[T>C]GTTCCAATTCCTCCAACTTTTTAAGCTGCTGCCGAACTTGCTGCAGACTCTCCGCAACTA-3'
Protein context (NP_009330.1, residues 275-295): QQLKKLEELE[Gln285Arg]KYTYEHDPIT